The following is an entry in ClinVar:

NM_153816.6(SNX14):c.1878del (p.Lys626fs)

Gene: SNX14 (sorting nexin 14; minus strand). Cytogenetic location: 6q14.3.
Variant type: Deletion.
Coding change: c.1878del on transcript NM_153816.6 (MANE Select); coding-DNA position 1878, one base deleted (A; older notation c.1878delA).
Protein change: p.Lys626fs; shifts the reading frame from lysine 626.
Molecular consequence: frameshift variant. On other transcripts: non-coding transcript variant (6).
Genome position (GRCh38, 1-based): chr6:85,530,208, T deleted on the plus strand (A on the coding strand, the reverse complement: SNX14 is on the minus strand); the first of 4 consecutive T bases (chr6:85,530,208-85,530,211); deleting any one gives the same sequence. VCF-style (leftmost placement, unchanged base first): chr6-85530207-GT-G. GRCh37 (hg19) VCF-style: chr6-86239925-GT-G.
Other names: c.1851del, p.Lys617fs (NM_001297614.3, NM_001350541.2); c.1722del, p.Lys574fs (NM_001304479.2); c.1941del, p.Lys647fs (NM_001350532.2); c.1875del, p.Lys625fs (NM_001350533.2, NM_001350535.2); c.1848del, p.Lys616fs (NM_001350534.2); c.1746del, p.Lys582fs (NM_001350536.2); c.1743del, p.Lys581fs (NM_001350537.2); c.1734del, p.Lys578fs (NM_001350538.2); and 9 more; short protein forms K232fs, K241fs, K276fs, K478fs, K526fs, K529fs, K530fs, K573fs.
Identifiers: ClinVar variation 2572991 (VCV002572991.1), dbSNP rs2535291703, ClinGen allele CA2580617304.
Genomic context (GRCh38, chr6:85,530,207, plus strand): 5'-TGCTAATGCTGAAATGTAATGTTTTATCCAAAAAGAATAACATACCATGAAATTCTGTTA[GT>G]TTTGATTCAAGTACATAGAATTCAAGATATCTTCTATAGACAGACCAATGTTCAGGCTCG-3'

ClinVar aggregate classification (germline): Pathogenic (1 of 4 stars; one submission).

Conditions:
Autosomal recessive spinocerebellar ataxia 20. Identifiers: Orphanet 397709, MedGen C5190595, MONDO:0014601, OMIM 616354.

Submission:

Illumina Laboratory Services, Illumina
Classification: Pathogenic for Autosomal recessive spinocerebellar ataxia 20. Last evaluated: 2023-05-06. Review status: criteria provided, single submitter. Criteria: ICSLVariantClassificationCriteria RUGD 01 April 2020. Collection method: clinical testing. Allele origin: unknown.
Comment: The SNX14 c.1878del (p.Lys626AsnfsTer2) variant causes a shift in the protein reading frame that is predicted to result in premature termination of the protein. Loss of normal protein function through either protein truncation or nonsense-mediated mRNA decay is expected. To our knowledge, this variant has not been reported in the peer-reviewed literature. The p.Lys626AsnfsTer2 variant is not observed in version 2.1.1 or version 3.1.2 of the Genome Aggregation Database. Based on the available evidence, the c.1878del (p.Lys626AsnfsTer2) variant is classified as pathogenic for spinocerebellar ataxia 20.